The following is an entry in ClinVar:

NM_004370.6(COL12A1):c.1195G>A (p.Glu399Lys)

Gene: COL12A1 (collagen type XII alpha 1 chain; minus strand). Cytogenetic location: 6q13.
Variant type: single nucleotide variant.
Coding change: c.1195G>A on transcript NM_004370.6 (MANE Select); coding-DNA position 1195, G replaced by A.
Protein change: p.Glu399Lys; replaces glutamic acid 399 with lysine.
Molecular consequence: missense variant. On other transcripts: intron variant (2).
Genome position (GRCh38, 1-based): chr6:75,183,947, C>T on the plus strand (G>A on the coding strand, the complement: COL12A1 is on the minus strand). VCF-style: chr6-75183947-C-T. GRCh37 (hg19) VCF-style: chr6-75893663-C-T.
Other names: c.1195G>A, p.Glu399Lys (NM_001424113.1, NM_001424114.1, NM_001424115.1); c.73+18773G>A (NM_001424116.1, NM_080645.3); short protein forms E399K.
Identifiers: ClinVar variation 3763889 (VCV003763889.2).

ClinVar aggregate classification (germline): Uncertain significance (1 of 4 stars; one submission).

Conditions:
Ullrich congenital muscular dystrophy 2 (UCMD2). Identifiers: Orphanet 75840, MedGen C4225314, MONDO:0014654, OMIM 616470.
Bethlem myopathy 2 (BTHLM2). Identifiers: Orphanet 536516, Orphanet 610, MedGen C4225313, MONDO:0034022, OMIM 616471.

Submission:

Labcorp Genetics (formerly Invitae), Labcorp
Classification: Uncertain significance for Bethlem myopathy 2; Ullrich congenital muscular dystrophy 2. Last evaluated: 2024-11-11. Review status: criteria provided, single submitter. Criteria: Invitae Variant Classification Sherloc (09022015). Collection method: clinical testing. Allele origin: germline.
Comment: This sequence change replaces glutamic acid, which is acidic and polar, with lysine, which is basic and polar, at codon 399 of the COL12A1 protein (p.Glu399Lys). This variant is not present in population databases (gnomAD no frequency). This variant has not been reported in the literature in individuals affected with COL12A1-related conditions. Invitae Evidence Modeling of protein sequence and biophysical properties (such as structural, functional, and spatial information, amino acid conservation, physicochemical variation, residue mobility, and thermodynamic stability) has been performed for this missense variant. However, the output from this modeling did not meet the statistical confidence thresholds required to predict the impact of this variant on COL12A1 protein function. In summary, the available evidence is currently insufficient to determine the role of this variant in disease. Therefore, it has been classified as a Variant of Uncertain Significance.